The following is an entry in ClinVar:

NM_000246.4(CIITA):c.3108C>T (p.Ala1036=)

Gene: CIITA (class II major histocompatibility complex transactivator; plus strand). Cytogenetic location: 16p13.13.
Variant type: single nucleotide variant.
Coding change: c.3108C>T on transcript NM_000246.4 (MANE Select); coding-DNA position 3108, C replaced by T.
Protein change: p.Ala1036=; no amino-acid change (alanine 1036 retained).
Molecular consequence: synonymous variant. On other transcripts: non-coding transcript variant (1).
Genome position (GRCh38, 1-based): chr16:10,918,485, C>T. VCF-style: chr16-10918485-C-T. GRCh37 (hg19) VCF-style: chr16-11012342-C-T.
Other names: c.3111C>T, p.Ala1037= (NM_001286402.1, NM_001379332.1); c.1356C>T, p.Ala452= (NM_001286403.2); c.2964C>T, p.Ala988= (NM_001379330.1); c.2961C>T, p.Ala987= (NM_001379331.1); c.3108C>T, p.Ala1036= (NM_001379333.1); c.3039C>T, p.Ala1013= (NM_001379334.1).
Identifiers: ClinVar variation 712812 (VCV000712812.37), dbSNP rs150276623, ClinGen allele CA7900664.

ClinVar aggregate classification (germline): Benign/Likely benign. Review status: criteria provided, multiple submitters, no conflicts (2 of 4 stars). 6 submissions from 6 submitters: Benign (2); Likely benign (3). 1 of the submissions does not count toward it. Last evaluated 2026-01-31.

Conditions:
MHC class II deficiency. Also called: Bare lymphocyte syndrome 2; BLS, TYPE II. Identifiers: Orphanet 572, MedGen C5447452, MONDO:0008855.

Allele frequency attached by ClinVar (database versions not stated): 1000 Genomes Project 0.00180; gnomAD 0.00204 and 0.00215; TOPMed 0.00217; 1000 Genomes Project 30x 0.00219; ESP Exome Variant Server 0.00231.
gnomAD v4.1: 678 of 1,614,168 alleles (0.042%); highest among the groups gnomAD compares: African/African-American, 0.72%; 2 homozygotes.

Submissions (6):

Labcorp Genetics (formerly Invitae), Labcorp
Classification: Benign for MHC class II deficiency. Last evaluated: 2026-01-31. Review status: criteria provided, single submitter. Criteria: Invitae Variant Classification Sherloc (09022015). Collection method: clinical testing. Allele origin: germline.

Women's Health and Genetics/Laboratory Corporation of America, LabCorp
Classification: Likely benign. Last evaluated: 2026-01-22. Review status: criteria provided, single submitter. Criteria: LabCorp Variant Classification Summary - May 2015. Collection method: clinical testing. Allele origin: germline.

Blueprint Genetics
Classification: Likely benign. Last evaluated: 2024-09-30. Review status: criteria provided, single submitter. Criteria: ACMG Guidelines, 2015. Collection method: clinical testing. Allele origin: germline.

CeGaT Center for Human Genetics Tuebingen
Classification: Likely benign. Last evaluated: 2022-09-01. Review status: criteria provided, single submitter. Criteria: CeGaT Center For Human Genetics Tuebingen Variant Classification Criteria Version 2. Collection method: clinical testing. Allele origin: germline. Affected: yes. Observed: 1 variant allele.
Comment: CIITA: BP4, BP7

Breakthrough Genomics
Classification: Benign. Review status: criteria provided, single submitter. Criteria: ACMG Guidelines, 2015. Collection method: not provided. Allele origin: germline. Inheritance: Autosomal recessive inheritance. Affected: yes.

Natera, Inc.
Classification: Benign for Bare lymphocyte syndrome type II. Last evaluated: 2020-09-16. Review status: no assertion criteria provided. Collection method: clinical testing. Allele origin: germline. Not counted in ClinVar's aggregate classification.